The following is an entry in ClinVar:

ClinVar aggregate classification (germline): Uncertain significance (1 of 4 stars; one submission).

Allele frequency attached by ClinVar (database versions not stated): gnomAD 0.00002; ExAC 0.00007.

Submission:

Labcorp Genetics (formerly Invitae), Labcorp
Classification: Uncertain significance. Last evaluated: 2025-06-16. Review status: criteria provided, single submitter. Criteria: Invitae Variant Classification Sherloc (09022015). Collection method: clinical testing. Allele origin: germline.
Comment: This sequence change replaces valine, which is neutral and non-polar, with alanine, which is neutral and non-polar, at codon 136 of the MGME1 protein (p.Val136Ala). This variant is present in population databases (rs754762766, gnomAD 0.05%). This variant has not been reported in the literature in individuals affected with MGME1-related conditions. ClinVar contains an entry for this variant (Variation ID: 2143542). Invitae Evidence Modeling of protein sequence and biophysical properties (such as structural, functional, and spatial information, amino acid conservation, physicochemical variation, residue mobility, and thermodynamic stability) indicates that this missense variant is expected to disrupt MGME1 protein function with a positive predictive value of 80%. In summary, the available evidence is currently insufficient to determine the role of this variant in disease. Therefore, it has been classified as a Variant of Uncertain Significance.

NM_052865.4(MGME1):c.407T>C (p.Val136Ala)

Genes: MGME1 (mitochondrial genome maintenance exonuclease 1; plus strand), LOC126862983 (CDK7 strongly-dependent group 2 enhancer GRCh37_chr20:17950167-17951366; plus strand). Cytogenetic location: 20p11.23.
Variant type: single nucleotide variant.
Coding change: c.407T>C on transcript NM_052865.4 (MANE Select); coding-DNA position 407, T replaced by C.
Protein change: p.Val136Ala; replaces valine 136 with alanine.
Molecular consequence: missense variant. On other transcripts: intron variant (1).
Genome position (GRCh38, 1-based): chr20:17,970,266, T>C. VCF-style: chr20-17970266-T-C. GRCh37 (hg19) VCF-style: chr20-17950909-T-C.
Other names: c.407T>C, p.Val136Ala (NM_001310338.2, NM_001310339.2); c.271+136T>C (NM_001363738.2); short protein forms V136A.
Identifiers: ClinVar variation 2143542 (VCV002143542.2), dbSNP rs754762766, ClinGen allele CA9774926.
Genomic context (GRCh38, chr20:17,970,266, plus strand): 5'-ATCCTTCAGTTCCTTTGAAAATCCCCTTGCAAAGGAATGTGATACCAAGTGTGACCCGAG[T>C]CCTTCAGCAGACCATGACAAAACAACAGGTTTTCTTGTTGGAGAGGTGGAAACAGCGGAT-3'
Protein context (NP_443097.1, residues 126-146): QRNVIPSVTR[Val136Ala]LQQTMTKQQV